The following is an entry in ClinVar:

NC_000007.13:g.(117144418_117149087)_(117149197_117170952)dup

Gene: CFTR (CF transmembrane conductance regulator; plus strand). Cytogenetic location: 7q31.2.
Variant type: Duplication.
Identifiers: ClinVar variation 2682289 (VCV002682289.1).

ClinVar aggregate classification (germline): Likely pathogenic (1 of 4 stars; one submission).

Conditions:
Cystic fibrosis (CF). Also called: MUCOVISCIDOSIS. Identifiers: Orphanet 586, MedGen C0010674, MONDO:0009061, OMIM 219700. Disease mechanism: loss of function.

Submission:

Women's Health and Genetics/Laboratory Corporation of America, LabCorp
Classification: Likely pathogenic for Cystic fibrosis. Last evaluated: 2023-11-01. Review status: criteria provided, single submitter. Criteria: LabCorp Variant Classification Summary - May 2015. Collection method: clinical testing. Allele origin: germline.
Comment: Variant summary: The variant involves the duplication of exon 3 in the CFTR gene. A presumed nomenclature of c.(164+1_165-1)_(273+1_274-1)dup has been designated for the purposes of this classification. It is assumed to be a tandem duplication in direct orientation (Richardson_GIM_2018, Newman_AJHG_2015). This Copy Number Variant (CNV) is expected to alter the reading frame and predicted to result in a truncation or absence of the encoded protein due to nonsense mediated decay (NMD). The variant was absent in 21694 control chromosomes. To our knowledge, no occurrence of c.(164+1_165-1)_(273+1_274-1)dup in individuals affected with Cystic Fibrosis and no experimental evidence demonstrating its impact on protein function have been reported. One submitter has cited clinical-significance assessments for this variant to ClinVar after 2014 and has classified the variant as likely pathogenic. Based on the evidence outlined above, the variant was classified as likely pathogenic.